The following is an entry in ClinVar:

ClinVar aggregate classification (germline): Likely benign. Review status: criteria provided, multiple submitters, no conflicts (2 of 4 stars). 4 submissions from 4 submitters: Likely benign (3). 1 of the submissions does not count toward it. Last evaluated 2026-01-20.

Conditions:
MSH3-related disorder. Also called: MSH3-related condition.
Familial adenomatous polyposis 4 (FAP4). Also called: MSH3-related attenuated familial adenomatous polyposis. Identifiers: Orphanet 480536, MedGen C4310719, MONDO:0044300, OMIM 617100.

Allele frequency attached by ClinVar (database versions not stated): ESP Exome Variant Server 0.00008; gnomAD 0.00010 and 0.00011; gnomAD exomes 0.00011 and 0.00022; ExAC 0.00013; TOPMed 0.00014.
gnomAD v4.1: 334 of 1,612,690 alleles (0.021%); highest among the groups gnomAD compares: Non-Finnish European, 0.026%; no homozygotes.

Submissions (4):

Labcorp Genetics (formerly Invitae), Labcorp
Classification: Likely benign. Last evaluated: 2026-01-20. Review status: criteria provided, single submitter. Criteria: Invitae Variant Classification Sherloc (09022015). Collection method: clinical testing. Allele origin: germline.

Quest Diagnostics Nichols Institute San Juan Capistrano
Classification: Likely benign. Last evaluated: 2022-11-04. Review status: criteria provided, single submitter. Criteria: Quest Diagnostics criteria. Collection method: clinical testing. Allele origin: unknown.

Department of Pathology and Laboratory Medicine, Sinai Health System
Classification: Likely benign for familial adenomatous polyposis 4. Last evaluated: 2021-06-21. Review status: criteria provided, single submitter. Criteria: ACMG Guidelines, 2015. Collection method: clinical testing. Allele origin: germline. Affected: yes.

PreventionGenetics, part of Exact Sciences
Classification: Likely benign for MSH3-related condition. Last evaluated: 2022-11-16. Review status: no assertion criteria provided. Collection method: clinical testing. Allele origin: germline. Not counted in ClinVar's aggregate classification.
Comment: This variant is classified as likely benign based on ACMG/AMP sequence variant interpretation guidelines (Richards et al. 2015 PMID: 25741868, with internal and published modifications).

NM_002439.5(MSH3):c.792+7C>T

Gene: MSH3 (mutS homolog 3; plus strand). Cytogenetic location: 5q14.1.
Variant type: single nucleotide variant.
Coding change: c.792+7C>T on transcript NM_002439.5 (MANE Select); 7 bases into the intron after coding-DNA position 792, C replaced by T.
Molecular consequence: intron variant.
Genome position (GRCh38, 1-based): chr5:80,670,316, C>T. VCF-style: chr5-80670316-C-T. GRCh37 (hg19) VCF-style: chr5-79966135-C-T.
Identifiers: ClinVar variation 713697 (VCV000713697.14), dbSNP rs369769870, ClinGen allele CA3327698.